The following is an entry in ClinVar:

NM_005228.5(EGFR):c.1756A>G (p.Ile586Val)

Gene: EGFR (epidermal growth factor receptor; plus strand). Cytogenetic location: 7p11.2.
Variant type: single nucleotide variant.
Coding change: c.1756A>G on transcript NM_005228.5 (MANE Select); coding-DNA position 1756, A replaced by G.
Protein change: p.Ile586Val; replaces isoleucine 586 with valine.
Molecular consequence: missense variant.
Genome position (GRCh38, 1-based): chr7:55,165,313, A>G. VCF-style: chr7-55165313-A-G. GRCh37 (hg19) VCF-style: chr7-55233006-A-G.
Other names: c.1621A>G, p.Ile541Val (NM_001346897.2, NM_001346899.2); c.1756A>G, p.Ile586Val (NM_001346898.2, NM_201282.2, NM_201284.2); c.1597A>G, p.Ile533Val (NM_001346900.2); c.955A>G, p.Ile319Val (NM_001346941.2); short protein forms I533V, I319V, I586V, I541V.
Identifiers: ClinVar variation 940308 (VCV000940308.10), dbSNP rs953188147, ClinGen allele CA158925015.

ClinVar aggregate classification (germline): Uncertain significance. Review status: criteria provided, multiple submitters, no conflicts (2 of 4 stars). 2 submissions from 2 submitters: Uncertain significance (2). Last evaluated 2026-07-07.

Conditions:
Hereditary cancer-predisposing syndrome. Also called: Neoplastic Syndromes, Hereditary; Hereditary Cancer Syndrome; Tumor predisposition; Hereditary neoplastic syndrome. Identifiers: Orphanet 140162, MedGen C0027672, MeSH D009386, MONDO:0015356.
EGFR-related lung cancer (EGFR). Identifiers: MedGen CN130014.

Allele frequency attached by ClinVar (database versions not stated): TOPMed 0.00001.

Submissions (2):

Ambry Genetics
Classification: Uncertain significance for Hereditary cancer-predisposing syndrome. Last evaluated: 2026-07-07. Review status: criteria provided, single submitter. Criteria: Ambry Variant Classification Scheme 2023. Collection method: clinical testing. Allele origin: germline.
Comment: The p.I586V variant (also known as c.1756A>G), located in coding exon 15 of the EGFR gene, results from an A to G substitution at nucleotide position 1756. The isoleucine at codon 586 is replaced by valine, an amino acid with highly similar properties. This amino acid position is conserved. In addition, this alteration is predicted to be tolerated by in silico analysis. Based on the available evidence, the clinical significance of this variant remains unclear.

Labcorp Genetics (formerly Invitae), Labcorp
Classification: Uncertain significance for EGFR-related lung cancer. Last evaluated: 2022-02-25. Review status: criteria provided, single submitter. Criteria: Invitae Variant Classification Sherloc (09022015). Collection method: clinical testing. Allele origin: germline.
Comment: Algorithms developed to predict the effect of missense changes on protein structure and function output the following: SIFT: "Tolerated"; PolyPhen-2: "Benign"; Align-GVGD: "Class C0". The valine amino acid residue is found in multiple mammalian species, which suggests that this missense change does not adversely affect protein function. In summary, the available evidence is currently insufficient to determine the role of this variant in disease. Therefore, it has been classified as a Variant of Uncertain Significance. ClinVar contains an entry for this variant (Variation ID: 940308). This variant has not been reported in the literature in individuals affected with EGFR-related conditions. This variant is not present in population databases (gnomAD no frequency). This sequence change replaces isoleucine, which is neutral and non-polar, with valine, which is neutral and non-polar, at codon 586 of the EGFR protein (p.Ile586Val).